The following is an entry in ClinVar:

NM_000393.5(COL5A2):c.2562C>G (p.Asp854Glu)

Gene: COL5A2 (collagen type V alpha 2 chain; minus strand). Cytogenetic location: 2q32.2.
Variant type: single nucleotide variant.
Coding change: c.2562C>G on transcript NM_000393.5 (MANE Select); coding-DNA position 2562, C replaced by G.
Protein change: p.Asp854Glu; replaces aspartic acid 854 with glutamic acid.
Molecular consequence: missense variant.
Genome position (GRCh38, 1-based): chr2:189,053,010, G>C on the plus strand (C>G on the coding strand, the complement: COL5A2 is on the minus strand). VCF-style: chr2-189053010-G-C. GRCh37 (hg19) VCF-style: chr2-189917736-G-C.
Other names: short protein forms D854E.
Identifiers: ClinVar variation 5034828 (VCV005034828.1).

ClinVar aggregate classification (germline): Uncertain significance (1 of 4 stars; one submission).

Conditions:
Familial thoracic aortic aneurysm and aortic dissection (TAAD). Also called: Thoracic aortic aneurysms and dissections. Identifiers: Orphanet 91387, MedGen C4707243, MONDO:0019625.

gnomAD v4.1: 1 of 1,612,642 alleles (0.000062%); highest among the groups gnomAD compares: African/African-American, 0.0013%; no homozygotes.

Submission:

Ambry Genetics
Classification: Uncertain significance for Familial thoracic aortic aneurysm and aortic dissection. Last evaluated: 2026-07-24. Review status: criteria provided, single submitter. Criteria: Ambry Variant Classification Scheme 2023. Collection method: clinical testing. Allele origin: germline.
Comment: The p.D854E variant (also known as c.2562C>G), located in coding exon 39 of the COL5A2 gene, results from a C to G substitution at nucleotide position 2562. The aspartic acid at codon 854 is replaced by glutamic acid, an amino acid with highly similar properties. This amino acid position is conserved. In addition, the in silico prediction for this alteration is inconclusive. Based on the available evidence, the clinical significance of this variant remains unclear.